The following is an entry in ClinVar:

ClinVar aggregate classification (germline): Uncertain significance (1 of 4 stars; one submission).

Conditions:
Melanoma, cutaneous malignant, susceptibility to, 8. Also called: MELANOMA AND RENAL CELL CARCINOMA, SUSCEPTIBILITY TO; Cutaneous malignant melanoma 8. Identifiers: Orphanet 293822, MedGen C3152204, MONDO:0013759, OMIM 614456.
Tietz syndrome (TADS). Also called: ALBINISM-DEAFNESS OF TIETZ; HYPOPIGMENTATION/DEAFNESS OF TIETZ; TIETZ ALBINISM-DEAFNESS SYNDROME. Identifiers: Orphanet 42665, MedGen C0391816, MONDO:0007077, OMIM 103500.
Waardenburg syndrome type 2A (WS2A). Also called: WAARDENBURG SYNDROME WITHOUT DYSTOPIA CANTHORUM. Identifiers: Orphanet 3440, MedGen C1860339, MONDO:0008671, OMIM 193510.

Submission:

Labcorp Genetics (formerly Invitae), Labcorp
Classification: Uncertain significance for Melanoma, cutaneous malignant, susceptibility to, 8; Waardenburg syndrome type 2A; Tietz syndrome. Last evaluated: 2025-01-21. Review status: criteria provided, single submitter. Criteria: Invitae Variant Classification Sherloc (09022015). Collection method: clinical testing. Allele origin: germline.
Comment: This sequence change affects codon 115 of the MITF mRNA. It is a 'silent' change, meaning that it does not change the encoded amino acid sequence of the MITF protein. This variant also falls at the last nucleotide of exon 3, which is part of the consensus splice site for this exon. This variant is not present in population databases (gnomAD no frequency). This variant has not been reported in the literature in individuals affected with MITF-related conditions. Variants that disrupt the consensus splice site are a relatively common cause of aberrant splicing (PMID: 17576681, 9536098). Algorithms developed to predict the effect of sequence changes on RNA splicing suggest that this variant may disrupt the consensus splice site. In summary, the available evidence is currently insufficient to determine the role of this variant in disease. Therefore, it has been classified as a Variant of Uncertain Significance.

Literature cited by the submitters: PubMed 17576681; PubMed 9536098.

NM_001354604.2(MITF):c.666G>A (p.Gln222=)

Gene: MITF (melanocyte inducing transcription factor; plus strand). Cytogenetic location: 3p13.
Variant type: single nucleotide variant.
Coding change: c.666G>A on transcript NM_001354604.2 (MANE Select); coding-DNA position 666, G replaced by A.
Protein change: p.Gln222=; no amino-acid change (glutamine 222 retained).
Molecular consequence: synonymous variant.
Genome position (GRCh38, 1-based): chr3:69,939,181, G>A. VCF-style: chr3-69939181-G-A. GRCh37 (hg19) VCF-style: chr3-69988332-G-A.
Other names: c.663G>A, p.Gln221= (NM_001354606.2, NM_006722.3, NM_001354605.2); c.615G>A, p.Gln205= (NM_001354607.2); c.510G>A, p.Gln170= (NM_001354608.2, NM_001184967.2); c.345G>A, p.Gln115= (NM_198158.3, NM_000248.4); c.666G>A, p.Gln222= (NM_198159.3); c.618G>A, p.Gln206= (NM_198177.3); c.177G>A, p.Gln59= (NM_198178.3).
Identifiers: ClinVar variation 3758012 (VCV003758012.2).